The following is an entry in ClinVar:

NM_012238.5(SIRT1):c.231GGAGGC[1] (p.78EA[2])

Genes: SIRT1 (sirtuin 1; plus strand), LOC107832851 (SIRT1 promoter region; plus strand). Cytogenetic location: 10q21.3.
Variant type: Microsatellite.
Coding change: c.231GGAGGC[1] on transcript NM_012238.5 (MANE Select); one copy of the 6-base unit GGAGGC starting at c.231; the reference has two copies in a row; one copy, 6 bases deleted.
Protein change: p.78EA[2].
Molecular consequence: inframe deletion.
Genome position (GRCh38, 1-based): chr10:67,884,958-67,884,963, GGAGGC deleted; deleting any 6 consecutive bases within chr10:67,884,952-67,884,963 gives the same sequence; the position shown is the placement nearest the transcript's 3' end. VCF-style (leftmost placement, unchanged base first): chr10-67884951-GGGAGGC-G. GRCh37 (hg19) VCF-style: chr10-69644709-GGGAGGC-G.
Identifiers: ClinVar variation 3613977 (VCV003613977.2).
Genomic context (GRCh38, chr10:67,884,951, plus strand): 5'-AGCGTGAGGTGCCGGCGGCGGCCAGGGGCTGCCCGGGTGCGGCGGCGGCGGCGCTGTGGC[GGGAGGC>G]GGAGGCAGAGGCGGCGGCGGCAGGCGGGGAGCAAGAGGCCCAGGCGACTGCGGCGGCTGG-3'

ClinVar aggregate classification (germline): Uncertain significance (1 of 4 stars; one submission).

Submission:

Labcorp Genetics (formerly Invitae), Labcorp
Classification: Uncertain significance. Last evaluated: 2024-09-27. Review status: criteria provided, single submitter. Criteria: Invitae Variant Classification Sherloc (09022015). Collection method: clinical testing. Allele origin: germline.
Comment: This variant, c.237_242del, results in the deletion of 2 amino acid(s) of the SIRT1 protein (p.Glu82_Ala83del), but otherwise preserves the integrity of the reading frame. This variant is not present in population databases (gnomAD no frequency). This variant has not been reported in the literature in individuals affected with SIRT1-related conditions. Experimental studies and prediction algorithms are not available or were not evaluated, and the functional significance of this variant is currently unknown. In summary, the available evidence is currently insufficient to determine the role of this variant in disease. Therefore, it has been classified as a Variant of Uncertain Significance.